The following is an entry in ClinVar:

ClinVar aggregate classification (germline): Uncertain significance. Review status: criteria provided, multiple submitters, no conflicts (2 of 4 stars). 6 submissions from 6 submitters: Uncertain significance (6). Last evaluated 2025-12-08.

Conditions:
Inborn genetic diseases. Identifiers: MedGen C0950123, MeSH D030342.
Dyskeratosis congenita. Identifiers: Orphanet 1775, MedGen C0265965, MONDO:0015780.
Cerebroretinal microangiopathy with calcifications and cysts 1 (CRMCC1). Identifiers: Orphanet 313838, MedGen C4552029, MONDO:0024564, OMIM 612199.

Allele frequency attached by ClinVar (database versions not stated): gnomAD exomes 0.00001 and 0.00005; ExAC 0.00005; gnomAD 0.00010 and 0.00011; TOPMed 0.00014.
gnomAD v4.1: 46 of 1,613,810 alleles (0.0029%); highest among the groups gnomAD compares: African/African-American, 0.028%; no homozygotes.

Submissions (6):

Labcorp Genetics (formerly Invitae), Labcorp
Classification: Uncertain significance for Dyskeratosis congenita. Last evaluated: 2025-12-08. Review status: criteria provided, single submitter. Criteria: Invitae Variant Classification Sherloc (09022015). Collection method: clinical testing. Allele origin: germline.
Comment: This sequence change replaces glycine, which is neutral and non-polar, with tryptophan, which is neutral and slightly polar, at codon 923 of the CTC1 protein (p.Gly923Trp). This variant is present in population databases (rs771646414, gnomAD 0.05%). This variant has not been reported in the literature in individuals affected with CTC1-related conditions. ClinVar contains an entry for this variant (Variation ID: 459599). Invitae Evidence Modeling of protein sequence and biophysical properties (such as structural, functional, and spatial information, amino acid conservation, physicochemical variation, residue mobility, and thermodynamic stability) indicates that this missense variant is not expected to disrupt CTC1 protein function with a negative predictive value of 80%. In summary, the available evidence is currently insufficient to determine the role of this variant in disease. Therefore, it has been classified as a Variant of Uncertain Significance.

Ambry Genetics
Classification: Uncertain significance for Inborn genetic diseases. Last evaluated: 2025-05-06. Review status: criteria provided, single submitter. Criteria: Ambry Variant Classification Scheme 2023. Collection method: clinical testing. Allele origin: germline.

Blueprint Genetics
Classification: Uncertain significance. Last evaluated: 2024-10-10. Review status: criteria provided, single submitter. Criteria: ACMG Guidelines, 2015. Collection method: clinical testing. Allele origin: germline.

Sema4
Classification: Uncertain significance for Dyskeratosis congenita. Last evaluated: 2021-11-18. Review status: criteria provided, single submitter. Criteria: Sema4 Curation Guidelines. Collection method: curation. Allele origin: germline.
Comment: The CTC1 c.2767G>T (p.G923W) variant has not been reported in the literature to our knowledge. It was observed in 9/19534 chromosomes of the East Asian (EAS) subpopulation in the large and broad cohorts of the Genome Aggregation Database (PMID: 32461654). This variant has been reported in ClinVar (Variation ID 459599). Functional studies have not been performed, and in silico predictions of the variant's effect on protein function are inconclusive. The evidence is insufficient to meet ACMG/AMP criteria for classifying the variant as benign or pathogenic. Thus, the clinical significance of this variant is currently uncertain.

Genome-Nilou Lab
Classification: Uncertain significance for Cerebroretinal microangiopathy with calcifications and cysts 1. Last evaluated: 2021-07-15. Review status: criteria provided, single submitter. Criteria: ACMG Guidelines, 2015. Collection method: clinical testing. Allele origin: germline. Affected: no.

Fulgent Genetics
Classification: Uncertain significance for Cerebroretinal microangiopathy with calcifications and cysts 1. Last evaluated: 2018-10-31. Review status: criteria provided, single submitter. Criteria: ACMG Guidelines, 2015. Collection method: clinical testing. Allele origin: unknown.

NM_025099.6(CTC1):c.2767G>T (p.Gly923Trp)

Gene: CTC1 (CST telomere replication complex component 1; minus strand). Cytogenetic location: 17p13.1.
Variant type: single nucleotide variant.
Coding change: c.2767G>T on transcript NM_025099.6 (MANE Select); coding-DNA position 2767, G replaced by T.
Protein change: p.Gly923Trp; replaces glycine 923 with tryptophan.
Molecular consequence: missense variant. On other transcripts: non-coding transcript variant (1).
Genome position (GRCh38, 1-based): chr17:8,230,460, C>A on the plus strand (G>T on the coding strand, the complement: CTC1 is on the minus strand). VCF-style: chr17-8230460-C-A. GRCh37 (hg19) VCF-style: chr17-8133778-C-A.
Other names: short protein forms G923W.
Identifiers: ClinVar variation 459599 (VCV000459599.13), dbSNP rs771646414, ClinGen allele CA8371971.
Genomic context (GRCh38, chr17:8,230,460, plus strand): 5'-GGAATTCACATTCAGCAGTCTCAAGAGCGACTGTTAGCTTCACACACCTTCTCATGGCCC[C>A]CGTGTTCCCTATAGAAGGAAGGTGGGTGTTAGTAGGATCTGTGAAGTCCACAAAGTCCCA-3'
Protein context (NP_079375.3, residues 913-933): ASLWMKLGNT[Gly923Trp]AMRRCVKLTV